The following is an entry in ClinVar:

NM_001127198.5(TMC6):c.1811+1G>A

Gene: TMC6 (transmembrane channel like 6; minus strand). Cytogenetic location: 17q25.3.
Variant type: single nucleotide variant.
Coding change: c.1811+1G>A on transcript NM_001127198.5 (MANE Select); the canonical splice donor site of the intron after coding-DNA position 1811, G replaced by A.
Molecular consequence: splice donor variant.
Genome position (GRCh38, 1-based): chr17:78,119,296, C>T on the plus strand (G>A on the coding strand, the complement: TMC6 is on the minus strand). VCF-style: chr17-78119296-C-T. GRCh37 (hg19) VCF-style: chr17-76115377-C-T.
Other names: c.1631+1G>A (NM_001374594.1, NM_001374593.1); c.1811+1G>A (NM_001374596.1, NM_007267.7, NM_001321185.1 and 2 more transcripts).
Identifiers: ClinVar variation 580435 (VCV000580435.3), dbSNP rs1567989416, ClinGen allele CA401226396.

ClinVar aggregate classification (germline): Likely pathogenic (1 of 4 stars; one submission).

Conditions:
Epidermodysplasia verruciformis. Identifiers: Orphanet 302, MedGen C0014522, MONDO:0009176.

Allele frequency attached by ClinVar (database versions not stated): gnomAD exomes below 0.00001.
gnomAD v4.1: 1 of 1,614,000 alleles (0.000062%); highest among the groups gnomAD compares: Non-Finnish European, 0.000085%; no homozygotes.

Submission:

Labcorp Genetics (formerly Invitae), Labcorp
Classification: Likely pathogenic for Epidermodysplasia verruciformis. Last evaluated: 2018-02-15. Review status: criteria provided, single submitter. Criteria: Invitae Variant Classification Sherloc (09022015). Collection method: clinical testing. Allele origin: germline.
Comment: This sequence change affects a donor splice site in intron 14 of the TMC6 gene. It is expected to disrupt RNA splicing and likely results in an absent or disrupted protein product. This variant is not present in population databases (ExAC no frequency). This variant has not been reported in the literature in individuals with TMC6-related disease. Donor and acceptor splice site variants typically lead to a loss of protein function (PMID: 16199547), and loss-of-function variants in TMC6 are known to be pathogenic (PMID: 15042430, 17139267). In summary, the currently available evidence indicates that the variant is pathogenic, but additional data are needed to prove that conclusively. Therefore, this variant has been classified as Likely Pathogenic.

Literature cited by the submitters: PubMed 16199547; PubMed 15042430; PubMed 17139267.